The following is an entry in ClinVar:

ClinVar aggregate classification (germline): Likely pathogenic (1 of 4 stars; one submission).

Conditions:
Neurodevelopmental disorder with regression, abnormal movements, loss of speech, and seizures. Identifiers: Orphanet 597623, MedGen C4748127, MONDO:0060759, OMIM 618088.

Submission:

Molecular Genetics Laboratory, Motol Hospital
Classification: Likely pathogenic for Neurodevelopmental disorder with regression, abnormal movements, loss of speech, and seizures. Last evaluated: 2025-11-07. Review status: criteria provided, single submitter. Criteria: ACMG Guidelines, 2015. Collection method: clinical testing. Allele origin: germline. Affected: yes. Observed: 1 variant allele.
Comment: Not present in gnomAD (v4.1.0), dbSNP or ClinVar (PM2). Rare truncating variants affecting the IRF2BPL gene are associated with autosomal dominant "neurodevelopmental disorder with regression, abnormal movements, loss of speech, and seizures" (NEDAMSS; MIM:618088; PMID:30057031;PMID:30166628). To conclude, the variant c.1181del is classified as likely pathogenic (PM2, PVS1).

Literature cited by the submitters: PubMed 30057031; PubMed 30166628.

NM_024496.4(IRF2BPL):c.1181del (p.Lys394fs)

Gene: IRF2BPL (interferon regulatory factor 2 binding protein like; minus strand). Cytogenetic location: 14q24.3.
Variant type: Deletion.
Coding change: c.1181del on transcript NM_024496.4 (MANE Select); coding-DNA position 1181, one base deleted (A; older notation c.1181delA).
Protein change: p.Lys394fs; shifts the reading frame from lysine 394.
Molecular consequence: frameshift variant.
Genome position (GRCh38, 1-based): chr14:77,026,612, T deleted on the plus strand (A on the coding strand, the reverse complement: IRF2BPL is on the minus strand); the first of 2 consecutive T bases (chr14:77,026,612-77,026,613); deleting either gives the same sequence. VCF-style (leftmost placement, unchanged base first): chr14-77026611-CT-C. GRCh37 (hg19) VCF-style: chr14-77492954-CT-C.
Other names: short protein forms K394fs.
Identifiers: ClinVar variation 4526891 (VCV004526891.1).